The following is an entry in ClinVar:

NM_017721.5(CC2D1A):c.1723C>T (p.Arg575Cys)

Gene: CC2D1A (coiled-coil and C2 domain containing 1A; plus strand). Cytogenetic location: 19p13.12.
Variant type: single nucleotide variant.
Coding change: c.1723C>T on transcript NM_017721.5 (MANE Select); coding-DNA position 1723, C replaced by T.
Protein change: p.Arg575Cys; replaces arginine 575 with cysteine.
Molecular consequence: missense variant.
Genome position (GRCh38, 1-based): chr19:13,923,414, C>T. VCF-style: chr19-13923414-C-T. GRCh37 (hg19) VCF-style: chr19-14034227-C-T.
Other names: short protein forms R575C.
Identifiers: ClinVar variation 764308 (VCV000764308.11), dbSNP rs61748827, ClinGen allele CA9244771.

ClinVar aggregate classification (germline): Conflicting classifications of pathogenicity. Review status: criteria provided, conflicting classifications (1 of 4 stars). 4 submissions from 4 submitters: Uncertain significance (2); Likely benign (2). Last evaluated 2026-01-14.

Conditions:
Inborn genetic diseases. Identifiers: MedGen C0950123, MeSH D030342.
CC2D1A-related disorder. Also called: CC2D1A-related condition.

Allele frequency attached by ClinVar (database versions not stated): ESP Exome Variant Server 0.00073; gnomAD 0.00096; TOPMed 0.00103; 1000 Genomes Project 30x 0.00109; 1000 Genomes Project 0.00140; gnomAD exomes 0.00022; ExAC 0.00032.
gnomAD v4.1: 315 of 1,613,668 alleles (0.02%); highest among the groups gnomAD compares: African/African-American, 0.36%; no homozygotes.

Submissions (4):

Labcorp Genetics (formerly Invitae), Labcorp
Classification: Likely benign. Last evaluated: 2026-01-14. Review status: criteria provided, single submitter. Criteria: Invitae Variant Classification Sherloc (09022015). Collection method: clinical testing. Allele origin: germline.

PreventionGenetics, part of Exact Sciences
Classification: Uncertain significance for CC2D1A-related condition. Last evaluated: 2024-12-02. Review status: criteria provided, single submitter. Criteria: ACMG Guidelines, 2015. Collection method: clinical testing. Allele origin: germline.
Comment: The CC2D1A c.1723C>T variant is predicted to result in the amino acid substitution p.Arg575Cys. To our knowledge, this variant has not been reported in the literature. This variant is reported in 0.29% of alleles in individuals of African descent in gnomAD. Although we suspect that this variant may be benign, at this time, the clinical significance of this variant is uncertain due to the absence of conclusive functional and genetic evidence.

Ambry Genetics
Classification: Likely benign for Inborn genetic diseases. Last evaluated: 2024-08-11. Review status: criteria provided, single submitter. Criteria: Ambry Variant Classification Scheme 2023. Collection method: clinical testing. Allele origin: germline.

GeneDx
Classification: Uncertain significance. Last evaluated: 2023-07-07. Review status: criteria provided, single submitter. Criteria: GeneDx Variant Classification Process June 2021. Collection method: clinical testing. Allele origin: germline. Affected: yes.
Comment: In silico analysis supports that this missense variant does not alter protein structure/function; Has not been previously published as pathogenic or benign to our knowledge